The following is an entry in ClinVar:

ClinVar aggregate classification (germline): Uncertain significance (1 of 4 stars; one submission).

Submission:

GeneDx
Classification: Uncertain significance. Last evaluated: 2024-04-04. Review status: criteria provided, single submitter. Criteria: GeneDx Variant Classification Process June 2021. Collection method: clinical testing. Allele origin: germline. Affected: yes.
Comment: Not observed at significant frequency in large population cohorts (gnomAD); In silico analysis supports that this missense variant has a deleterious effect on protein structure/function; Has not been previously published as pathogenic or benign to our knowledge

NM_001170629.2(CHD8):c.4727A>G (p.Lys1576Arg)

Gene: CHD8 (chromodomain helicase DNA binding protein 8; minus strand). Cytogenetic location: 14q11.2.
Variant type: single nucleotide variant.
Coding change: c.4727A>G on transcript NM_001170629.2 (MANE Select); coding-DNA position 4727, A replaced by G.
Protein change: p.Lys1576Arg; replaces lysine 1576 with arginine.
Molecular consequence: missense variant.
Genome position (GRCh38, 1-based): chr14:21,400,151, T>C on the plus strand (A>G on the coding strand, the complement: CHD8 is on the minus strand). VCF-style: chr14-21400151-T-C. GRCh37 (hg19) VCF-style: chr14-21868310-T-C.
Other names: c.3890A>G, p.Lys1297Arg (NM_020920.4); short protein forms K1297R, K1576R.
Identifiers: ClinVar variation 3372071 (VCV003372071.1).